The following is an entry in ClinVar:

NM_005045.4(RELN):c.4903A>G (p.Met1635Val)

Gene: RELN (reelin; minus strand). Cytogenetic location: 7q22.1.
Variant type: single nucleotide variant.
Coding change: c.4903A>G on transcript NM_005045.4 (MANE Select); coding-DNA position 4903, A replaced by G.
Protein change: p.Met1635Val; replaces methionine 1635 with valine.
Molecular consequence: missense variant.
Genome position (GRCh38, 1-based): chr7:103,566,257, T>C on the plus strand (A>G on the coding strand, the complement: RELN is on the minus strand). VCF-style: chr7-103566257-T-C. GRCh37 (hg19) VCF-style: chr7-103206704-T-C.
Other names: c.4903A>G (NM_005045.3); c.4903A>G, p.Met1635Val (NM_173054.3); short protein forms M1635V.
Identifiers: ClinVar variation 598606 (VCV000598606.13), dbSNP rs746451678, ClinGen allele CA4421384.

ClinVar aggregate classification (germline): Conflicting classifications of pathogenicity. Review status: criteria provided, conflicting classifications (1 of 4 stars). 3 submissions from 3 submitters: Uncertain significance (2); Likely benign (1). Last evaluated 2023-04-19.

Conditions:
Norman-Roberts syndrome (LIS2). Also called: Lissencephaly 2 (Norman-Roberts type). Identifiers: Orphanet 89844, MedGen C0796089, MONDO:0009760, OMIM 257320.
Familial temporal lobe epilepsy 7. Identifiers: Orphanet 101046, MedGen C4225327, MONDO:0014639, OMIM 616436.

Allele frequency attached by ClinVar (database versions not stated): gnomAD exomes below 0.00001 and 0.00001; ExAC 0.00001; gnomAD 0.00001; TOPMed 0.00002.

Submissions (3):

GeneDx
Classification: Uncertain significance. Last evaluated: 2023-04-19. Review status: criteria provided, single submitter. Criteria: GeneDx Variant Classification Process June 2021. Collection method: clinical testing. Allele origin: germline. Affected: yes.
Comment: Not observed at significant frequency in large population cohorts (gnomAD); In silico analysis supports that this missense variant does not alter protein structure/function; Has not been previously published as pathogenic or benign to our knowledge

Labcorp Genetics (formerly Invitae), Labcorp
Classification: Likely benign for Familial temporal lobe epilepsy 7; Norman-Roberts syndrome. Last evaluated: 2022-12-06. Review status: criteria provided, single submitter. Criteria: Invitae Variant Classification Sherloc (09022015). Collection method: clinical testing. Allele origin: germline.

Eurofins Ntd Llc (ga)
Classification: Uncertain significance. Last evaluated: 2018-09-06. Review status: criteria provided, single submitter. Criteria: EGL ClinVar v180209 classification definitions. Collection method: clinical testing. Allele origin: germline. Observed: 1 variant allele, 1 heterozygote.